The following is an entry in ClinVar:

NM_000038.6(APC):c.2845A>G (p.Met949Val)

Gene: APC (APC regulator of Wnt signaling pathway; plus strand). Cytogenetic location: 5q22.2.
Variant type: single nucleotide variant.
Coding change: c.2845A>G on transcript NM_000038.6 (MANE Select); coding-DNA position 2845, A replaced by G.
Protein change: p.Met949Val; replaces methionine 949 with valine.
Molecular consequence: missense variant.
Genome position (GRCh38, 1-based): chr5:112,838,439, A>G. VCF-style: chr5-112838439-A-G. GRCh37 (hg19) VCF-style: chr5-112174136-A-G.
Other names: c.2845A>G, p.Met949Val (NM_001127510.3, NM_001354895.2); c.2791A>G, p.Met931Val (NM_001127511.3); c.2899A>G, p.Met967Val (NM_001354896.2); c.2875A>G, p.Met959Val (NM_001354897.2); c.2770A>G, p.Met924Val (NM_001354898.2); c.2761A>G, p.Met921Val (NM_001354899.2); c.2722A>G, p.Met908Val (NM_001354900.2); c.2668A>G, p.Met890Val (NM_001354901.2); and 6 more; short protein forms M931V, M949V, M666V, M848V, M890V, M967V, M908V, M924V.
Identifiers: ClinVar variation 140891 (VCV000140891.22), dbSNP rs587781348, ClinGen allele CA007854.

ClinVar aggregate classification (germline): Uncertain significance. Review status: criteria provided, multiple submitters, no conflicts (2 of 4 stars). 7 submissions from 6 submitters: Uncertain significance (6). 1 of the submissions does not count toward it. Last evaluated 2025-12-23.

Conditions:
Classic or attenuated familial adenomatous polyposis. Identifiers: MedGen CN372698, MONDO:0021057.
Hereditary cancer-predisposing syndrome. Also called: Tumor predisposition; Neoplastic Syndromes, Hereditary; Hereditary Cancer Syndrome; Hereditary neoplastic syndrome. Identifiers: Orphanet 140162, MedGen C0027672, MeSH D009386, MONDO:0015356.
Desmoid disease, hereditary (DESMD). Also called: FIBROMATOSIS, FAMILIAL INFILTRATIVE. Identifiers: Orphanet 873, MedGen C1851124, OMIM 135290. Disease mechanism: loss of function.
Gastric adenocarcinoma and proximal polyposis of the stomach (GAPPS). Also called: Polyposis, gastric, Dos Santos and de Magalhaes 1980; Gastric Adenocarcinoma and Proximal Polyposis of the Stomach (GAPPS); POLYPOSIS, GASTRIC. Identifiers: Orphanet 314022, MedGen C4749917, MONDO:0017790, OMIM 619182.
Hepatocellular carcinoma (HCC). Also called: Primary carcinoma of liver; HEPATOMA; LIVER CELL CARCINOMA. Identifiers: Orphanet 88673, MedGen C2239176, MONDO:0007256, OMIM 114550, HP:0001402.
Gastric cancer. Also called: Stomach cancer; Malignant tumor of stomach. Identifiers: MedGen C0024623, MeSH D013274, MONDO:0001056, OMIM 613659, HP:0012126.
Colorectal cancer. Also called: Colorectal cancer, somatic; Malignant Colorectal Neoplasm. Identifiers: MedGen C0346629, MONDO:0005575, OMIM 114500.
Familial adenomatous polyposis 1 (FAP1). Also called: FAMILIAL ADENOMATOUS POLYPOSIS 1, ATTENUATED; POLYPOSIS, ADENOMATOUS INTESTINAL. Identifiers: MedGen C2713442, MONDO:0021056, OMIM 175100. Disease mechanism: loss of function.

Allele frequency attached by ClinVar (database versions not stated): gnomAD exomes below 0.00001; TOPMed 0.00004.
gnomAD v4.1: 4 of 1,614,116 alleles (0.00025%); highest among the groups gnomAD compares: African/African-American, 0.0027%; no homozygotes.

Submissions (7):

Labcorp Genetics (formerly Invitae), Labcorp
Classification: Uncertain significance for Familial adenomatous polyposis 1. Last evaluated: 2025-12-23. Review status: criteria provided, single submitter. Criteria: Invitae Variant Classification Sherloc (09022015). Collection method: clinical testing. Allele origin: germline.
Comment: This sequence change replaces methionine, which is neutral and non-polar, with valine, which is neutral and non-polar, at codon 949 of the APC protein (p.Met949Val). This variant is not present in population databases (gnomAD no frequency). This variant has not been reported in the literature in individuals affected with APC-related conditions. ClinVar contains an entry for this variant (Variation ID: 140891). Invitae Evidence Modeling of protein sequence and biophysical properties (such as structural, functional, and spatial information, amino acid conservation, physicochemical variation, residue mobility, and thermodynamic stability) indicates that this missense variant is not expected to disrupt APC protein function with a negative predictive value of 95%. In summary, the available evidence is currently insufficient to determine the role of this variant in disease. Therefore, it has been classified as a Variant of Uncertain Significance.

Ambry Genetics
Classification: Uncertain significance for Hereditary cancer-predisposing syndrome. Last evaluated: 2024-04-08. Review status: criteria provided, single submitter. Criteria: Ambry Variant Classification Scheme 2023. Collection method: clinical testing. Allele origin: germline.
Comment: The p.M949V variant (also known as c.2845A>G), located in coding exon 15 of the APC gene, results from an A to G substitution at nucleotide position 2845. The methionine at codon 949 is replaced by valine, an amino acid with highly similar properties. This amino acid position is not well conserved in available vertebrate species. In addition, in silico predictors for this gene do not accurately predict pathogenicity. Since supporting evidence is limited at this time, the clinical significance of this alteration remains unclear.

Fulgent Genetics
Classification: Uncertain significance for Colorectal cancer; Hepatocellular carcinoma; Desmoid disease, hereditary; Familial adenomatous polyposis 1; Gastric cancer; Gastric adenocarcinoma and proximal polyposis of the stomach. Last evaluated: 2024-03-18. Review status: criteria provided, single submitter. Criteria: ACMG Guidelines, 2015. Collection method: clinical testing. Allele origin: germline.

Color Diagnostics, LLC DBA Color Health
Classification: Uncertain significance for Hereditary cancer-predisposing syndrome. Last evaluated: 2024-03-06. Review status: criteria provided, single submitter. Criteria: ACMG Guidelines, 2015. Collection method: clinical testing. Allele origin: germline.
Comment: This missense variant replaces methionine with valine at codon 949 of the APC protein. Computational prediction suggests that this variant may not impact protein structure and function (internally defined REVEL score threshold <= 0.5, PMID: 27666373). To our knowledge, functional studies have not been reported for this variant. This variant has not been reported in individuals affected with APC-related disorders in the literature. This variant has not been identified in the general population by the Genome Aggregation Database (gnomAD). The available evidence is insufficient to determine the role of this variant in disease conclusively. Therefore, this variant is classified as a Variant of Uncertain Significance.

All of Us Research Program, National Institutes of Health
Classification: Uncertain significance for Classic or attenuated familial adenomatous polyposis. Last evaluated: 2023-10-06. Review status: criteria provided, single submitter. Criteria: ACMG Guidelines, 2015. Collection method: clinical testing. Allele origin: germline. Inheritance: Autosomal dominant inheritance. Observed: 2 variant alleles, 2 heterozygotes.
Comment: This missense variant replaces methionine with valine at codon 949 of the APC protein. Computational prediction suggests that this variant may not impact protein structure and function (internally defined REVEL score threshold <= 0.5, PMID: 27666373). To our knowledge, functional studies have not been reported for this variant. This variant has not been reported in individuals affected with APC-related disorders in the literature. This variant has not been identified in the general population by the Genome Aggregation Database (gnomAD). The available evidence is insufficient to determine the role of this variant in disease conclusively. Therefore, this variant is classified as a Variant of Uncertain Significance.

This study involves interpretation of variants in research participants for the purpose of population health screening. Participant phenotype was not available at the time of variant classification. Additional details can be found in publication PMID: 35346344, PMCID: PMC8962531

Baylor Genetics
Classification: Uncertain significance for Familial adenomatous polyposis 1. Last evaluated: 2023-05-18. Review status: criteria provided, single submitter. Criteria: ACMG Guidelines, 2015. Collection method: clinical testing. Allele origin: unknown.

Ambry Genetics
Classification: Uncertain significance for Hereditary cancer-predisposing syndrome. Last evaluated: 2022-01-04. Review status: flagged submission. Criteria: Ambry Variant Classification Scheme 2023. Collection method: clinical testing. Allele origin: germline. Not counted in ClinVar's aggregate classification.
ClinVar note: Reason: This record appears to be redundant with a more recent record from the same submitter.
ClinVar note: Notes: SCV003597914 appears to be redundant with SCV000183848.